The following is an entry in ClinVar:

ClinVar aggregate classification (germline): Conflicting classifications of pathogenicity. Review status: criteria provided, conflicting classifications (1 of 4 stars). 4 submissions from 4 submitters: Likely pathogenic (1); Uncertain significance (3). Last evaluated 2025-09-22.

Conditions:
Optic atrophy with or without deafness, ophthalmoplegia, myopathy, ataxia, and neuropathy. Also called: OPTIC ATROPHY PLUS SYNDROME. Identifiers: MedGen C3276549, MONDO:0007429, OMIM 125250.

Allele frequency attached by ClinVar (database versions not stated): gnomAD exomes below 0.00001; TOPMed below 0.00001; gnomAD 0.00001.
gnomAD v4.1: 4 of 1,587,300 alleles (0.00025%); highest among the groups gnomAD compares: Non-Finnish European, 0.00026%; no homozygotes.

Submissions (4):

Unidad de Genómica Garrahan, Hospital de Pediatría Garrahan
Classification: Likely pathogenic for Optic atrophy with or without deafness, ophthalmoplegia, myopathy, ataxia, and neuropathy. Last evaluated: 2025-09-22. Review status: criteria provided, single submitter. Criteria: ACMG Guidelines, 2015. Collection method: clinical testing. Allele origin: maternal. Inheritance: Autosomal recessive inheritance. Affected: yes. Observed: 1 compound heterozygote.
Comment: A missense variant was identified in the heterozygous state in exon 29 of the OPA1 gene. This variant involves a protein-level change from arginine to histidine at position 987 (p.(Arg987His)). This variant has an extremely low frequency in population databases (<0.01) and has not been reported in homozygous state. Bioinformatics prediction algorithms suggest a deleterious effect (REVEL 0.85). In ClinVar (SCV005398787.1), it is also reported in trans with another likely pathogenic variant in a patient diagnosed with DOA-plus syndrome.

Labcorp Genetics (formerly Invitae), Labcorp
Classification: Uncertain significance. Last evaluated: 2025-02-06. Review status: criteria provided, single submitter. Criteria: Invitae Variant Classification Sherloc (09022015). Collection method: clinical testing. Allele origin: germline.
Comment: This sequence change replaces arginine, which is basic and polar, with histidine, which is basic and polar, at codon 932 of the OPA1 protein (p.Arg932His). This variant is present in population databases (no rsID available, gnomAD 0.007%). This missense change has been observed in individual(s) with OPA1-related conditions (PMID: 33884488). This variant is also known as c.2960G>A (p.Arg987His). ClinVar contains an entry for this variant (Variation ID: 1503238). Invitae Evidence Modeling of protein sequence and biophysical properties (such as structural, functional, and spatial information, amino acid conservation, physicochemical variation, residue mobility, and thermodynamic stability) indicates that this missense variant is not expected to disrupt OPA1 protein function with a negative predictive value of 80%. In summary, the available evidence is currently insufficient to determine the role of this variant in disease. Therefore, it has been classified as a Variant of Uncertain Significance.

Victorian Clinical Genetics Services, Murdoch Childrens Research Institute
Classification: Uncertain significance for Optic atrophy with or without deafness, ophthalmoplegia, myopathy, ataxia, and neuropathy. Last evaluated: 2023-07-16. Review status: criteria provided, single submitter. Criteria: ACMG Guidelines, 2015. Collection method: clinical testing. Allele origin: germline. Affected: yes.
Comment: Based on the classification scheme VCGS_Germline_v1.3.4, this variant is classified as VUS-3A. Following criteria are met: 0102 - Loss of function is a known mechanism of disease in this gene and is associated with OPA1-related conditions (OMIM). (I) 0108 - This gene is associated with both recessive and dominant disease. Truncating variants and mutations in the C-terminal domain are associated with dominant optic atrophy. Individuals carrying missense variants clustered within the GTPase domain generally develop an optic atrophy syndrome. Lastly, biallelic variants have been associated with early onset Behr syndrome or Leigh syndrome, OPA1-related (MONDO#0009723) (PMID: 31500643, 28494813, 25012220, 30165240). (I) 0112 - The condition associated with this gene has incomplete penetrance (PMID: 17306754). (I) 0200 - Variant is predicted to result in a missense amino acid change from arginine to histidine. (I) 0251 - This variant is heterozygous. (I) 0304 - Variant is present in gnomAD <0.01 (v2: 1 heterozygote, 0 homozygotes). (SP) 0309 - An alternative amino acid change at the same position has been observed in gnomAD (v2: 5 heterozygotes, 0 homozygotes). (I) 0501 - Missense variant consistently predicted to be damaging by multiple in silico tools or highly conserved with a major amino acid change. (SP) 0600 - Variant is located in the annotated OPA1_C domain (DECIPHER). (I) 0710 - Another missense variant comparable to the one identified in this case has inconclusive previous evidence for pathogenicity. p.(Arg987Cys) has been identified in a cohort of suspected hereditary optic neuropathy (PMID: 19319978); and a pair of twins with syndromic hearing loss, classified as a VUS (PMID: 34837038). Finally, the variant is classified as a VUS by a diagnostic laboratory in ClinVar. (I) 0809 - Previous evidence of pathogenicity for this variant is inconclusive. It has been identified in a cohort of individuals with hereditary eye diseases. However, it was unclear if the variant was identified in a control or an individual with a differential diagnosis (non-optic atrophy); and it was classified as a VUS (PMID: 33884488). (I) 0905 - No published segregation evidence has been identified for this variant. (I) 1007 - No published functional evidence has been identified for this variant. (I) 1102 - Strong phenotype match for this individual. (SP) 1201 - Heterozygous variant detected in trans with a second pathogenic heterozygous variant (NM_130837.2(OPA1):c.1148A>G; p.(Lys383Arg)). (I) Legend: (SP) - Supporting pathogenic, (I) - Information, (SB) - Supporting benign

Blueprint Genetics
Classification: Uncertain significance. Last evaluated: 2020-08-21. Review status: criteria provided, single submitter. Criteria: ACMG Guidelines, 2015. Collection method: clinical testing. Allele origin: germline.

Literature cited by the submitters: PubMed 33884488 (cited by Labcorp Genetics (formerly Invitae), Labcorp and Victorian Clinical Genetics Services, Murdoch Childrens Research Institute); PubMed 17306754 (cited by Victorian Clinical Genetics Services, Murdoch Childrens Research Institute); PubMed 19319978 (cited by Victorian Clinical Genetics Services, Murdoch Childrens Research Institute); PubMed 25012220 (cited by Victorian Clinical Genetics Services, Murdoch Childrens Research Institute); PubMed 28494813 (cited by Victorian Clinical Genetics Services, Murdoch Childrens Research Institute); PubMed 30165240 (cited by Victorian Clinical Genetics Services, Murdoch Childrens Research Institute); PubMed 31500643 (cited by Victorian Clinical Genetics Services, Murdoch Childrens Research Institute); PubMed 34837038 (cited by Victorian Clinical Genetics Services, Murdoch Childrens Research Institute).

NM_130837.3(OPA1):c.2960G>A (p.Arg987His)

Gene: OPA1 (OPA1 mitochondrial dynamin like GTPase; plus strand). Cytogenetic location: 3q29.
Variant type: single nucleotide variant.
Coding change: c.2960G>A on transcript NM_130837.3 (MANE Select); coding-DNA position 2960, G replaced by A.
Protein change: p.Arg987His; replaces arginine 987 with histidine.
Molecular consequence: missense variant.
Genome position (GRCh38, 1-based): chr3:193,667,257, G>A. VCF-style: chr3-193667257-G-A. GRCh37 (hg19) VCF-style: chr3-193385046-G-A.
Other names: c.2960G>A (NM_130837.2); c.2426G>A, p.Arg809His (NM_001354663.2); c.2423G>A, p.Arg808His (NM_001354664.2); c.2795G>A, p.Arg932His (NM_015560.3); c.2687G>A, p.Arg896His (NM_130831.3); c.2741G>A, p.Arg914His (NM_130832.3); c.2798G>A, p.Arg933His (NM_130833.3); c.2849G>A, p.Arg950His (NM_130834.3); and 2 more; short protein forms R808H, R914H, R950H, R987H, R809H, R896H, R933H, R951H.
Identifiers: ClinVar variation 1503238 (VCV001503238.8), dbSNP rs1160551128, ClinGen allele CA355797783.